The following is an entry in ClinVar:

NM_014946.4(SPAST):c.1642G>C (p.Asp548His)

Gene: SPAST (spastin; plus strand). Cytogenetic location: 2p22.3.
Variant type: single nucleotide variant.
Coding change: c.1642G>C on transcript NM_014946.4 (MANE Select); coding-DNA position 1642, G replaced by C.
Protein change: p.Asp548His; replaces aspartic acid 548 with histidine.
Molecular consequence: missense variant. On other transcripts: intron variant (1).
Genome position (GRCh38, 1-based): chr2:32,144,962, G>C. VCF-style: chr2-32144962-G-C. GRCh37 (hg19) VCF-style: chr2-32370031-G-C.
Other names: c.1639G>C, p.Asp547His (NM_001363823.2); c.1543G>C, p.Asp515His (NM_001363875.2); c.1546G>C, p.Asp516His (NM_199436.2); c.1520+1547G>C (NM_001377959.1); short protein forms D515H, D516H, D547H, D548H.
Identifiers: ClinVar variation 1806214 (VCV001806214.1), dbSNP rs1553319532, ClinGen allele CA346504205.

ClinVar aggregate classification (germline): Likely pathogenic (1 of 4 stars; one submission).

Conditions:
Hereditary spastic paraplegia 4. Also called: Familial spastic paraplegia autosomal dominant 2; Spastic paraplegia 4, autosomal dominant; Spastic Paraplegia 4. Identifiers: Orphanet 100985, MedGen C1866855, MONDO:0008438, OMIM 182601.

Submission:

Victorian Clinical Genetics Services, Murdoch Childrens Research Institute
Classification: Likely pathogenic for Hereditary spastic paraplegia 4. Last evaluated: 2021-05-06. Review status: criteria provided, single submitter. Criteria: ACMG Guidelines, 2015. Collection method: clinical testing. Allele origin: germline. Inheritance: Autosomal dominant inheritance.
Comment: Based on the classification scheme VCGS_Germline_v1.3.4, this variant is classified as Likely pathogenic. Following criteria are met: 0103 - Dominant Negative and loss-of-function are known mechanisms of disease for this gene and are associated with spastic paraplegia 4 (MIM#182601). Multiple loss of function variants have been reported, while a dominant negative mechanism has been stipulated for a small number of missense variants (ClinVar; PMID: 30006150). (I) 0107 - This gene is associated with autosomal dominant disease. (I) 0112 - The condition associated with this gene has incomplete penetrance, but this is age-dependant and only a small proportion of individuals remain asymptomatic (PMID: 30476002). (I) 0115 - Variants in this gene are known to have variable expressivity, with variable age of onset and disease severity (PMID: 30476002). (I) 0200 - Variant is predicted to result in a missense amino acid change from aspartic acid to histidine. (I) 0251 - This variant is heterozygous. (I) 0301 - Variant is absent from gnomAD (both v2 and v3). (SP) 0501 - Missense variant consistently predicted to be damaging by multiple in silico tools or highly conserved with a major amino acid change. (SP) 0603 - Missense variant in a region that is highly intolerant to missense variation (high constraint region in DECIPHER). (SP) 0704 - Another missense variant comparable to the one identified in this case has limited previous evidence for pathogenicity. A different variant in the same codon resulting in a change to an asparagine has been shown to cause hereditary spastic paraplegia (PMID: 19875132, 23252998). (SP) 0807 - This variant has no previous evidence of pathogenicity. (I) 0905 - No published segregation evidence has been identified for this variant. (I) 1007 - No published functional evidence has been identified for this variant. (I) 1208 - Inheritance information for this variant is not currently available in this individual. (I) Legend: (SP) - Supporting pathogenic, (I) - Information, (SB) - Supporting benign

Literature cited by the submitters: PubMed 19875132; PubMed 23252998; PubMed 30006150; PubMed 30476002.